The following is an entry in ClinVar:

ClinVar aggregate classification (germline): Pathogenic/Likely pathogenic. Review status: criteria provided, multiple submitters, no conflicts (2 of 4 stars). 2 submissions from 2 submitters: Pathogenic (1); Likely pathogenic (1). Last evaluated 2025-12-09.

Conditions:
DHCR7-related disorder. Also called: DHCR7-related condition.

Submissions (2):

PreventionGenetics, part of Exact Sciences
Classification: Likely pathogenic for DHCR7-related condition. Last evaluated: 2025-12-09. Review status: criteria provided, single submitter. Criteria: ACMG Guidelines, 2015. Collection method: clinical testing. Allele origin: germline.
Comment: The DHCR7 c.445C>T variant is predicted to result in premature protein termination (p.Gln149*). This variant has been reported in a study of individuals with Smith-Lemli-Opitz syndrome, however additional details were not provided (Waterham et al. 2000. PubMed ID: 11111101). This variant has not been reported in a large population database (gnomAD), indicating this variant is rare. Nonsense variants in DHCR7 are expected to be pathogenic. This variant is interpreted as likely pathogenic.

GeneDx
Classification: Pathogenic. Last evaluated: 2023-08-01. Review status: criteria provided, single submitter. Criteria: GeneDx Variant Classification Process June 2021. Collection method: clinical testing. Allele origin: germline. Affected: yes.
Comment: Nonsense variant predicted to result in protein truncation or nonsense mediated decay in a gene for which loss of function is a known mechanism of disease; Not observed at significant frequency in large population cohorts (gnomAD); This variant is associated with the following publications: (PMID: 25525159, Al-Soofi2022[casereport], 23042628, 11111101, 12914579, 15670717)

NM_001360.3(DHCR7):c.445C>T (p.Gln149Ter)

Gene: DHCR7 (7-dehydrocholesterol reductase; minus strand). Cytogenetic location: 11q13.4.
Variant type: single nucleotide variant.
Coding change: c.445C>T on transcript NM_001360.3 (MANE Select); coding-DNA position 445, C replaced by T.
Protein change: p.Gln149Ter; replaces glutamine 149 with a stop codon.
Molecular consequence: nonsense.
Genome position (GRCh38, 1-based): chr11:71,441,408, G>A on the plus strand (C>T on the coding strand, the complement: DHCR7 is on the minus strand). VCF-style: chr11-71441408-G-A. GRCh37 (hg19) VCF-style: chr11-71152454-G-A.
Other names: c.445C>T, p.Gln149Ter (NM_001163817.2, NM_001425107.1, NM_001425118.1 and 7 more transcripts); c.481C>T, p.Gln161Ter (NM_001425108.1); c.385C>T, p.Gln129Ter (NM_001425113.1); c.349C>T, p.Gln117Ter (NM_001425114.1, NM_001425116.1); c.271C>T, p.Gln91Ter (NM_001425117.1); short protein forms Q117*, Q129*, Q149*, Q161*, Q91*.
Identifiers: ClinVar variation 3340265 (VCV003340265.2).